The following is an entry in ClinVar:

NM_000163.5(GHR):c.1732A>T (p.Arg578Trp)

Gene: GHR (growth hormone receptor; plus strand). Cytogenetic location: 5p12.
Variant type: single nucleotide variant.
Coding change: c.1732A>T on transcript NM_000163.5 (MANE Select); coding-DNA position 1732, A replaced by T.
Protein change: p.Arg578Trp; replaces arginine 578 with tryptophan.
Molecular consequence: missense variant. On other transcripts: 3 prime UTR variant (1).
Genome position (GRCh38, 1-based): chr5:42,719,239, A>T. VCF-style: chr5-42719239-A-T. GRCh37 (hg19) VCF-style: chr5-42719341-A-T.
Other names: c.1753A>T, p.Arg585Trp (NM_001242399.2); c.1732A>T, p.Arg578Trp (NM_001242400.2, NM_001242401.4, NM_001242402.2 and 4 more transcripts); c.1666A>T, p.Arg556Trp (NM_001242460.2); c.*774A>T (NM_001242462.1); short protein forms R578W, R585W, R556W.
Identifiers: ClinVar variation 4709868 (VCV004709868.1).
Genomic context (GRCh38, chr5:42,719,239, plus strand): 5'-CCAAGCTTAAACCAAGAGGACATTTACATCACCACAGAAAGCCTTACCACTGCTGCTGGG[A>T]GGCCTGGGACAGGAGAACATGTTCCAGGTTCTGAGATGCCTGTCCCAGACTATACCTCCA-3'
Protein context (NP_000154.1, residues 568-588): TTESLTTAAG[Arg578Trp]PGTGEHVPGS

ClinVar aggregate classification (germline): Uncertain significance (1 of 4 stars; one submission).

Submission:

Labcorp Genetics (formerly Invitae), Labcorp
Classification: Uncertain significance. Last evaluated: 2025-09-13. Review status: criteria provided, single submitter. Criteria: Invitae Variant Classification Sherloc (09022015). Collection method: clinical testing. Allele origin: germline.
Comment: This sequence change replaces arginine, which is basic and polar, with tryptophan, which is neutral and slightly polar, at codon 578 of the GHR protein (p.Arg578Trp). This variant is not present in population databases (gnomAD no frequency). This variant has not been reported in the literature in individuals affected with GHR-related conditions. Invitae Evidence Modeling of protein sequence and biophysical properties (such as structural, functional, and spatial information, amino acid conservation, physicochemical variation, residue mobility, and thermodynamic stability) indicates that this missense variant is not expected to disrupt GHR protein function with a negative predictive value of 95%. In summary, the available evidence is currently insufficient to determine the role of this variant in disease. Therefore, it has been classified as a Variant of Uncertain Significance.